The following is an entry in ClinVar:

ClinVar aggregate classification (germline): Uncertain significance (1 of 4 stars; one submission).

Conditions:
Ullrich congenital muscular dystrophy 2 (UCMD2). Identifiers: Orphanet 75840, MedGen C4225314, MONDO:0014654, OMIM 616470.
Bethlem myopathy 2 (BTHLM2). Identifiers: Orphanet 536516, Orphanet 610, MedGen C4225313, MONDO:0034022, OMIM 616471.

Submission:

Labcorp Genetics (formerly Invitae), Labcorp
Classification: Uncertain significance for Bethlem myopathy 2; Ullrich congenital muscular dystrophy 2. Last evaluated: 2025-11-27. Review status: criteria provided, single submitter. Criteria: Invitae Variant Classification Sherloc (09022015). Collection method: clinical testing. Allele origin: germline.
Comment: This sequence change replaces tyrosine, which is neutral and polar, with asparagine, which is neutral and polar, at codon 1720 of the COL12A1 protein (p.Tyr1720Asn). This variant is not present in population databases (gnomAD no frequency). This variant has not been reported in the literature in individuals affected with COL12A1-related conditions. ClinVar contains an entry for this variant (Variation ID: 1043265). Invitae Evidence Modeling of protein sequence and biophysical properties (such as structural, functional, and spatial information, amino acid conservation, physicochemical variation, residue mobility, and thermodynamic stability) indicates that this missense variant is not expected to disrupt COL12A1 protein function with a negative predictive value of 80%. In summary, the available evidence is currently insufficient to determine the role of this variant in disease. Therefore, it has been classified as a Variant of Uncertain Significance.

NM_004370.6(COL12A1):c.5158T>A (p.Tyr1720Asn)

Gene: COL12A1 (collagen type XII alpha 1 chain; minus strand). Cytogenetic location: 6q13.
Variant type: single nucleotide variant.
Coding change: c.5158T>A on transcript NM_004370.6 (MANE Select); coding-DNA position 5158, T replaced by A.
Protein change: p.Tyr1720Asn; replaces tyrosine 1720 with asparagine.
Molecular consequence: missense variant.
Genome position (GRCh38, 1-based): chr6:75,138,520, A>T on the plus strand (T>A on the coding strand, the complement: COL12A1 is on the minus strand). VCF-style: chr6-75138520-A-T. GRCh37 (hg19) VCF-style: chr6-75848236-A-T.
Other names: c.1666T>A, p.Tyr556Asn (NM_080645.3); short protein forms Y1720N, Y556N.
Identifiers: ClinVar variation 1043265 (VCV001043265.9), dbSNP rs1766737229, ClinGen allele CA364739142.